The following is an entry in ClinVar:

ClinVar aggregate classification (germline): Uncertain significance (1 of 4 stars; one submission).

Conditions:
Epidermolysis bullosa simplex with nail dystrophy (EBS5D). Identifiers: MedGen C4225309, MONDO:0014661, OMIM 616487.
Epidermolysis bullosa simplex 5C, with pyloric atresia (EBS5C). Also called: PLEC-Related Epidermolysis Bullosa with Pyloric Atresia; Epidermolysis bullosa simplex with pyloric atresia; PLEC1-Related Epidermolysis Bullosa with Pyloric Atresia. Identifiers: Orphanet 158684, MedGen C2677349, MONDO:0012807, OMIM 612138.
Autosomal recessive limb-girdle muscular dystrophy type 2Q (LGMDR17). Also called: MUSCULAR DYSTROPHY, LIMB-GIRDLE, AUTOSOMAL RECESSIVE 17. Identifiers: Orphanet 254361, MedGen C3150989, MONDO:0013390, OMIM 613723.
Epidermolysis bullosa simplex, Ogna type (EBS5A). Also called: Pidermolysis bullosa simplex 5A, Ogna type; EPIDERMOLYSIS BULLOSA SIMPLEX 5A, OGNA TYPE. Identifiers: Orphanet 79401, MedGen C0432317, MONDO:0007555, OMIM 131950.
Epidermolysis bullosa simplex 5B, with muscular dystrophy (EBS5B). Also called: EPIDERMOLYSIS BULLOSA SIMPLEX AND LIMB-GIRDLE MUSCULAR DYSTROPHY; Epidermolysis bullosa simplex with muscular dystrophy. Identifiers: Orphanet 257, MedGen C2931072, MONDO:0009181, OMIM 226670.

Allele frequency attached by ClinVar (database versions not stated): ExAC 0.00001.

Submission:

Labcorp Genetics (formerly Invitae), Labcorp
Classification: Uncertain significance for Autosomal recessive limb-girdle muscular dystrophy type 2Q; Epidermolysis bullosa simplex, Ogna type; Epidermolysis bullosa simplex with nail dystrophy; Epidermolysis bullosa simplex 5C, with pyloric atresia; Epidermolysis bullosa simplex 5B, with muscular dystrophy. Last evaluated: 2023-08-16. Review status: criteria provided, single submitter. Criteria: Invitae Variant Classification Sherloc (09022015). Collection method: clinical testing. Allele origin: germline.
Comment: In summary, the available evidence is currently insufficient to determine the role of this variant in disease. Therefore, it has been classified as a Variant of Uncertain Significance. Advanced modeling of protein sequence and biophysical properties (such as structural, functional, and spatial information, amino acid conservation, physicochemical variation, residue mobility, and thermodynamic stability) performed at Invitae indicates that this missense variant is not expected to disrupt PLEC protein function. This variant has not been reported in the literature in individuals affected with PLEC-related conditions. This variant is present in population databases (rs782028131, gnomAD 0.003%). This sequence change replaces histidine, which is basic and polar, with tyrosine, which is neutral and polar, at codon 3487 of the PLEC protein (p.His3487Tyr).

NM_201384.3(PLEC):c.10378C>T (p.His3460Tyr)

Gene: PLEC (plectin; minus strand). Cytogenetic location: 8q24.3.
Variant type: single nucleotide variant.
Coding change: c.10378C>T on transcript NM_201384.3 (MANE Select); coding-DNA position 10378, C replaced by T.
Protein change: p.His3460Tyr; replaces histidine 3460 with tyrosine.
Molecular consequence: missense variant.
Genome position (GRCh38, 1-based): chr8:143,919,443, G>A on the plus strand (C>T on the coding strand, the complement: PLEC is on the minus strand). VCF-style: chr8-143919443-G-A. GRCh37 (hg19) VCF-style: chr8-144993611-G-A.
Other names: c.10789C>T, p.His3597Tyr (NM_201380.4); c.10282C>T, p.His3428Tyr (NM_201381.3); c.10378C>T, p.His3460Tyr (NM_201382.4); c.10390C>T, p.His3464Tyr (NM_201383.3); c.10459C>T, p.His3487Tyr (NM_000445.5); c.7078C>T, p.His2360Tyr (NM_001410941.1); c.10336C>T, p.His3446Tyr (NM_201378.4); c.10312C>T, p.His3438Tyr (NM_201379.3); short protein forms H3464Y, H3487Y, H3597Y, H3428Y, H3460Y, H2360Y, H3438Y, H3446Y.
Identifiers: ClinVar variation 2936814 (VCV002936814.3), dbSNP rs782028131, ClinGen allele CA4924672.